The following is an entry in ClinVar:

ClinVar aggregate classification (germline): Pathogenic/Likely pathogenic. Review status: criteria provided, multiple submitters, no conflicts (2 of 4 stars). 2 submissions from 2 submitters: Pathogenic (1); Likely pathogenic (1). Last evaluated 2025-06-18.

Conditions:
PEX5-related disorder. Also called: PEX5-Related Disorders; PEX5-related condition.
Peroxisome biogenesis disorder 2B (PBD2B). Identifiers: Orphanet 44, MedGen C3550234, MONDO:0008736, OMIM 202370.

Allele frequency attached by ClinVar (database versions not stated): gnomAD 0.00001.

Submissions (2):

PreventionGenetics, part of Exact Sciences
Classification: Likely pathogenic for PEX5-related condition. Last evaluated: 2025-06-18. Review status: criteria provided, single submitter. Criteria: ACMG Guidelines, 2015. Collection method: clinical testing. Allele origin: germline.
Comment: The PEX5 c.1255C>T variant is predicted to result in premature protein termination (p.Gln419*). To our knowledge, this variant has not been reported in the literature or in a large population database (gnomAD), indicating this variant is rare. Nonsense variants in PEX5 are expected to be pathogenic. This variant is interpreted as likely pathogenic.

Labcorp Genetics (formerly Invitae), Labcorp
Classification: Pathogenic for Peroxisome biogenesis disorder 2B. Last evaluated: 2022-08-15. Review status: criteria provided, single submitter. Criteria: Invitae Variant Classification Sherloc (09022015). Collection method: clinical testing. Allele origin: germline.
Comment: This sequence change creates a premature translational stop signal (p.Gln419*) in the PEX5 gene. It is expected to result in an absent or disrupted protein product. Loss-of-function variants in PEX5 are known to be pathogenic (PMID: 18712838, 21031596). This variant is present in population databases (no rsID available, gnomAD 0.06%). This variant has not been reported in the literature in individuals affected with PEX5-related conditions. ClinVar contains an entry for this variant (Variation ID: 1456774). For these reasons, this variant has been classified as Pathogenic.

Literature cited by the submitters: PubMed 18712838 (cited by Labcorp Genetics (formerly Invitae), Labcorp); PubMed 21031596 (cited by Labcorp Genetics (formerly Invitae), Labcorp).

NM_001351132.2(PEX5):c.1255C>T (p.Gln419Ter)

Gene: PEX5 (peroxisomal biogenesis factor 5; plus strand). Cytogenetic location: 12p13.31.
Variant type: single nucleotide variant.
Coding change: c.1255C>T on transcript NM_001351132.2 (MANE Select); coding-DNA position 1255, C replaced by T.
Protein change: p.Gln419Ter; replaces glutamine 419 with a stop codon.
Molecular consequence: nonsense.
Genome position (GRCh38, 1-based): chr12:7,208,530, C>T. VCF-style: chr12-7208530-C-T. GRCh37 (hg19) VCF-style: chr12-7361126-C-T.
Other names: c.1255C>T (NM_001131025.1); c.1231C>T, p.Gln411Ter (NM_000319.5); c.1300C>T, p.Gln434Ter (NM_001131023.2); c.1144C>T, p.Gln382Ter (NM_001131024.2, NM_001351124.3, NM_001351126.2 and 7 more transcripts); c.1255C>T, p.Gln419Ter (NM_001131025.2, NM_001131026.2, NM_001300789.3 and 4 more transcripts); c.1189C>T, p.Gln397Ter (NM_001351135.3, NM_001351138.2); c.1246C>T, p.Gln416Ter (NM_001351136.2); c.1120C>T, p.Gln374Ter (NM_001351139.2, NM_001351140.2, NM_001374649.2); short protein forms Q374*, Q382*, Q397*, Q434*, Q411*, Q416*, Q419*.
Identifiers: ClinVar variation 1456774 (VCV001456774.7), dbSNP rs1300934931, ClinGen allele CA383732927.
Genomic context (GRCh38, chr12:7,208,530, plus strand): 5'-AAGCCAGATAACCAGACAGCACTGATGGCGCTGGCTGTGAGCTTCACCAACGAGTCCCTG[C>T]AGCGACAGGCCTGTGAAACCCTACGAGACTGGCTGCGGTACACACCAGCCTATGCCCATC-3'